The following is an entry in ClinVar:

ClinVar aggregate classification (germline): Pathogenic. Review status: criteria provided, multiple submitters, no conflicts (2 of 4 stars). 5 submissions from 5 submitters: Pathogenic (5). Last evaluated 2024-03-06.

Conditions:
Hereditary cancer-predisposing syndrome. Also called: Neoplastic Syndromes, Hereditary; Hereditary Cancer Syndrome; Hereditary neoplastic syndrome; Tumor predisposition. Identifiers: Orphanet 140162, MedGen C0027672, MeSH D009386, MONDO:0015356.
Familial cancer of breast. Also called: Hereditary breast cancer; hereditary breast carcinoma; BREAST CANCER, FAMILIAL. Identifiers: Orphanet 227535, MedGen C0346153, MONDO:0016419, OMIM 114480. Disease mechanism: loss of function.
Ataxia-telangiectasia syndrome (AT). Also called: Cerebello-oculocutaneous telangiectasia; Immunodeficiency with ataxia telangiectasia; Ataxia-telangiectasia, complementation group D; AT, COMPLEMENTATION GROUP C; ATAXIA-TELANGIECTASIA, FRESNO VARIANT; ATAXIA-TELANGIECTASIA, COMPLEMENTATION GROUP A. Identifiers: Orphanet 100, MedGen C0004135, MONDO:0008840, OMIM 208900.

Submissions (5):

Baylor Genetics
Classification: Pathogenic for Familial cancer of breast. Last evaluated: 2024-03-06. Review status: criteria provided, single submitter. Criteria: ACMG Guidelines, 2015. Collection method: clinical testing. Allele origin: unknown.

Myriad Genetics, Inc.
Classification: Pathogenic for Familial cancer of breast. Last evaluated: 2024-01-22. Review status: criteria provided, single submitter. Criteria: Myriad Autosomal Dominant, Autosomal Recessive and X-Linked Classification Criteria (2023). Collection method: clinical testing. Allele origin: unknown.
Comment: This variant is considered pathogenic. This variant creates a termination codon and is predicted to result in premature protein truncation.

Labcorp Genetics (formerly Invitae), Labcorp
Classification: Pathogenic for Ataxia-telangiectasia syndrome. Last evaluated: 2021-11-05. Review status: criteria provided, single submitter. Criteria: Invitae Variant Classification Sherloc (09022015). Collection method: clinical testing. Allele origin: germline.
Comment: For these reasons, this variant has been classified as Pathogenic. ClinVar contains an entry for this variant (Variation ID: 141653). This variant has not been reported in the literature in individuals affected with ATM-related conditions. This variant is not present in population databases (gnomAD no frequency). This sequence change creates a premature translational stop signal (p.Gly1130*) in the ATM gene. It is expected to result in an absent or disrupted protein product. Loss-of-function variants in ATM are known to be pathogenic (PMID: 23807571, 25614872).

Ambry Genetics
Classification: Pathogenic for Hereditary cancer-predisposing syndrome. Last evaluated: 2021-07-21. Review status: criteria provided, single submitter. Criteria: Ambry Variant Classification Scheme 2023. Collection method: clinical testing. Allele origin: germline.
Comment: The p.G1130* pathogenic mutation (also known as c.3388G>T), located in coding exon 22 of the ATM gene, results from a G to T substitution at nucleotide position 3388. This changes the amino acid from a glycine to a stop codon within coding exon 22. This alteration is expected to result in loss of function by premature protein truncation or nonsense-mediated mRNA decay. As such, this alteration is interpreted as a disease-causing mutation.

Revvity Omics, Revvity
Classification: Pathogenic for Ataxia-telangiectasia syndrome. Last evaluated: 2019-01-08. Review status: criteria provided, single submitter. Criteria: ACMG Guidelines, 2015. Collection method: clinical testing. Allele origin: germline.

Literature cited by the submitters: PubMed 23807571 (cited by Labcorp Genetics (formerly Invitae), Labcorp); PubMed 25614872 (cited by Labcorp Genetics (formerly Invitae), Labcorp).

NM_000051.4(ATM):c.3388G>T (p.Gly1130Ter)

Gene: ATM (ATM serine/threonine kinase; plus strand). Cytogenetic location: 11q22.3.
Variant type: single nucleotide variant.
Coding change: c.3388G>T on transcript NM_000051.4 (MANE Select); coding-DNA position 3388, G replaced by T.
Protein change: p.Gly1130Ter; replaces glycine 1130 with a stop codon.
Molecular consequence: nonsense.
Genome position (GRCh38, 1-based): chr11:108,279,594, G>T. VCF-style: chr11-108279594-G-T. GRCh37 (hg19) VCF-style: chr11-108150321-G-T.
Other names: c.3388G>T, p.Gly1130Ter (NM_001351834.2); short protein forms G1130*.
Identifiers: ClinVar variation 141653 (VCV000141653.17), dbSNP rs587781911, ClinGen allele CA166048.